The following is an entry in ClinVar:

ClinVar aggregate classification (germline): Pathogenic/Likely pathogenic. Review status: criteria provided, multiple submitters, no conflicts (2 of 4 stars). 4 submissions from 4 submitters: Pathogenic (3); Likely pathogenic (1). Last evaluated 2026-06-27.

Conditions:
TALDO1-related disorder. Also called: TALDO1-related condition.
Deficiency of transaldolase. Also called: EYAID SYNDROME. Identifiers: Orphanet 101028, MedGen C1291329, MONDO:0011624, OMIM 606003.

Submissions (4):

PreventionGenetics, part of Exact Sciences
Classification: Likely pathogenic for TALDO1-related condition. Last evaluated: 2026-06-27. Review status: criteria provided, single submitter. Criteria: ACMG Guidelines, 2015. Collection method: clinical testing. Allele origin: germline.
Comment: The TALDO1 c.643_644delAA variant is predicted to result in a frameshift and premature protein termination (p.Lys215Glufs*4). To our knowledge, this variant has not been reported in the literature. This variant is reported in 0.0018% of alleles in individuals of European (Non-Finnish) descent in gnomAD. Frameshift variants in TALDO1 are expected to be pathogenic. This variant is interpreted as likely pathogenic.

Institute of Human Genetics Munich, TUM University Hospital
Classification: Pathogenic for Deficiency of transaldolase. Last evaluated: 2024-05-03. Review status: criteria provided, single submitter. Criteria: Classification criteria August 2017. Collection method: clinical testing. Allele origin: inherited. Inheritance: Autosomal recessive inheritance. Affected: yes. Observed: 1 variant allele.

Labcorp Genetics (formerly Invitae), Labcorp
Classification: Pathogenic. Last evaluated: 2021-12-30. Review status: criteria provided, single submitter. Criteria: Invitae Variant Classification Sherloc (09022015). Collection method: clinical testing. Allele origin: germline.
Comment: For these reasons, this variant has been classified as Pathogenic. This variant has not been reported in the literature in individuals affected with TALDO1-related conditions. This variant is present in population databases (no rsID available, gnomAD 0.002%). This sequence change creates a premature translational stop signal (p.Lys215Glufs*4) in the TALDO1 gene. It is expected to result in an absent or disrupted protein product. Loss-of-function variants in TALDO1 are known to be pathogenic (PMID: 23315216, 26238251).

3billion
Classification: Pathogenic for Deficiency of transaldolase. Review status: criteria provided, single submitter. Criteria: ACMG Guidelines, 2015. Collection method: clinical testing. Allele origin: unknown. Affected: yes. Observed: 1 homozygote.
Comment: The variant is observed at an extremely low frequency in the gnomAD v2.1.1 dataset (total allele frequency: <0.001%). The variant is predicted to result in a loss or disruption of normal protein function through nonsense-mediated decay (NMD) or protein truncation. Multiple pathogenic variants are reported downstream of the variant. Therefore, this variant is classified as Pathogenic according to the recommendation of ACMG/AMP guideline.

Literature cited by the submitters: PubMed 23315216 (cited by Labcorp Genetics (formerly Invitae), Labcorp); PubMed 26238251 (cited by Labcorp Genetics (formerly Invitae), Labcorp).

NM_006755.2(TALDO1):c.643_644del (p.Lys215fs)

Genes: TALDO1 (transaldolase 1; plus strand), LOC126861110 (CDK7 strongly-dependent group 2 enhancer GRCh37_chr11:762588-763787; plus strand). Cytogenetic location: 11p15.5.
Variant type: Deletion.
Coding change: c.643_644del on transcript NM_006755.2 (MANE Select); coding-DNA positions 643 to 644, 2 bases deleted (AA; older notation c.643_644delAA).
Protein change: p.Lys215fs; shifts the reading frame from lysine 215.
Molecular consequence: frameshift variant.
Genome position (GRCh38, 1-based): chr11:763,752-763,753, AA deleted; deleting any 2 consecutive bases within chr11:763,751-763,753 gives the same sequence; the c. name uses the placement nearest the transcript's 3' end. VCF-style (leftmost placement, unchanged base first): chr11-763750-TAA-T. GRCh37 (hg19) VCF-style: chr11-763750-TAA-T.
Other names: c.643_644delAA (NM_006755.1); short protein forms K215fs.
Identifiers: ClinVar variation 1967312 (VCV001967312.12), dbSNP rs1259081430, ClinGen allele CA597021898.
Genomic context (GRCh38, chr11:763,750, plus strand): 5'-CAGGTGGGGTGGTACCTCTGCCGAAGCCTTCCTGGTCACAGCTTGGTCTCTTTCCAGGGG[TAA>T]AGAGTGTCACTAAAATCTACAACTACTACAAGAAGTTTAGCTACAAAACCATTGTCATGG-3'